The following is an entry in ClinVar:

ClinVar aggregate classification (germline): Uncertain significance (1 of 4 stars; one submission).

Conditions:
TTN-related disorder. Also called: TTN-related condition; TTN-related disease; TTN-related disorders.

gnomAD v4.1: 6 of 1,597,052 alleles (0.00038%); highest among the groups gnomAD compares: Admixed American, 0.01%; no homozygotes.

Submission:

PreventionGenetics, part of Exact Sciences
Classification: Uncertain significance for TTN-related condition. Last evaluated: 2024-10-23. Review status: criteria provided, single submitter. Criteria: ACMG Guidelines, 2015. Collection method: clinical testing. Allele origin: germline.
Comment: The TTN c.48665G>A variant is predicted to result in the amino acid substitution p.Gly16222Asp. To our knowledge, this variant has not been reported in the literature. This variant is reported in 0.0094% of alleles in individuals of Latino descent in gnomAD. At this time, the clinical significance of this variant is uncertain due to the absence of conclusive functional and genetic evidence.

NM_001267550.2(TTN):c.48665G>A (p.Gly16222Asp)

Genes: TTN (titin; minus strand), TTN-AS1 (TTN antisense RNA 1; plus strand), LOC126806426 (BRD4-independent group 4 enhancer GRCh37_chr2:179478848-179480047; plus strand). Cytogenetic location: 2q31.2.
Variant type: single nucleotide variant.
Coding change: c.48665G>A on transcript NM_001267550.2 (MANE Select); coding-DNA position 48665, G replaced by A.
Protein change: p.Gly16222Asp; replaces glycine 16222 with aspartic acid.
Molecular consequence: missense variant.
Genome position (GRCh38, 1-based): chr2:178,614,942, C>T on the plus strand (G>A on the coding strand, the complement: TTN is on the minus strand). VCF-style: chr2-178614942-C-T. GRCh37 (hg19) VCF-style: chr2-179479669-C-T.
Other names: c.43742G>A, p.Gly14581Asp (NM_001256850.1); c.21470G>A, p.Gly7157Asp (NM_003319.4); c.40961G>A, p.Gly13654Asp (NM_133378.4); c.21845G>A, p.Gly7282Asp (NM_133432.3); c.22046G>A, p.Gly7349Asp (NM_133437.4); short protein forms G13654D, G16222D, G7282D, G7157D, G14581D, G7349D.
Identifiers: ClinVar variation 4978458 (VCV004978458.1).